The following is an entry in ClinVar:

ClinVar aggregate classification (germline): Uncertain significance. Review status: criteria provided, multiple submitters, no conflicts (2 of 4 stars). 2 submissions from 2 submitters: Uncertain significance (2). Last evaluated 2024-10-27.

Conditions:
Familial thoracic aortic aneurysm and aortic dissection (TAAD). Also called: Thoracic aortic aneurysms and dissections. Identifiers: Orphanet 91387, MedGen C4707243, MONDO:0019625.

Submissions (2):

Ambry Genetics
Classification: Uncertain significance for Familial thoracic aortic aneurysm and aortic dissection. Last evaluated: 2024-10-27. Review status: criteria provided, single submitter. Criteria: Ambry Variant Classification Scheme 2023. Collection method: clinical testing. Allele origin: germline.
Comment: The p.E1239K variant (also known as c.3715G>A), located in coding exon 27 of the MYH11 gene, results from a G to A substitution at nucleotide position 3715. The glutamic acid at codon 1239 is replaced by lysine, an amino acid with similar properties. This amino acid position is conserved. In addition, the in silico prediction for this alteration is inconclusive. Based on the available evidence, the clinical significance of this variant remains unclear.

Color Diagnostics, LLC DBA Color Health
Classification: Uncertain significance for Familial thoracic aortic aneurysm and aortic dissection. Last evaluated: 2024-03-06. Review status: criteria provided, single submitter. Criteria: ACMG Guidelines, 2015. Collection method: clinical testing. Allele origin: germline.
Comment: This missense variant replaces glutamic acid with lysine at codon 1246 of the MYH11 protein. Computational prediction is inconclusive regarding the impact of this variant on protein structure and function (internally defined REVEL score threshold 0.5 < inconclusive < 0.7, PMID: 27666373). To our knowledge, functional studies have not been reported for this variant. This variant has not been reported in individuals affected with cardiovascular disorders in the literature. This variant has not been identified in the general population by the Genome Aggregation Database (gnomAD). The available evidence is insufficient to determine the role of this variant in disease conclusively. Therefore, this variant is classified as a Variant of Uncertain Significance.

NM_002474.3(MYH11):c.3715G>A (p.Glu1239Lys)

Gene: MYH11 (myosin heavy chain 11; minus strand). Cytogenetic location: 16p13.11.
Variant type: single nucleotide variant.
Coding change: c.3715G>A on transcript NM_002474.3 (MANE Select); coding-DNA position 3715, G replaced by A.
Protein change: p.Glu1239Lys; replaces glutamic acid 1239 with lysine.
Molecular consequence: missense variant.
Genome position (GRCh38, 1-based): chr16:15,726,991, C>T on the plus strand (G>A on the coding strand, the complement: MYH11 is on the minus strand). VCF-style: chr16-15726991-C-T. GRCh37 (hg19) VCF-style: chr16-15820848-C-T.
Other names: c.3715G>A (NM_002474.2); c.3736G>A, p.Glu1246Lys (NM_001040113.2, NM_001040114.2); c.3715G>A, p.Glu1239Lys (NM_022844.3); short protein forms E1239K, E1246K.
Identifiers: ClinVar variation 1331780 (VCV001331780.4), dbSNP rs1256787988, ClinGen allele CA394860216.
Genomic context (GRCh38, chr16:15,726,991, plus strand): 5'-CCTCCAGCTTCTTCTTCTTATGTTCCACCTCCTGCTTGGCCTGGCCCAGGACCCGCAGCT[C>T]CCCGGCCAGGTCTGCGTTCTCTTTCTCCAGCGTCTGCTTATTCTTGTCTAGGTTCGCCTT-3'
Protein context (NP_002465.1, residues 1229-1249): LEKENADLAG[Glu1239Lys]LRVLGQAKQE